The following is an entry in ClinVar:

NM_001267550.2(TTN):c.93145_93146del (p.His31049fs)

Genes: TTN (titin; minus strand), TTN-AS1 (TTN antisense RNA 1; plus strand). Cytogenetic location: 2q31.2.
Variant type: Deletion.
Coding change: c.93145_93146del on transcript NM_001267550.2 (MANE Select); coding-DNA positions 93145 to 93146, 2 bases deleted (CA; older notation c.93145_93146delCA).
Protein change: p.His31049fs; shifts the reading frame from histidine 31049.
Molecular consequence: frameshift variant.
Genome position (GRCh38, 1-based): chr2:178,548,480-178,548,481, TG deleted on the plus strand (CA on the coding strand, the reverse complement: TTN is on the minus strand). VCF-style (leftmost placement, unchanged base first): chr2-178548479-ATG-A. GRCh37 (hg19) VCF-style: chr2-179413206-ATG-A.
Other names: c.88222_88223del, p.His29408fs (NM_001256850.1); c.65950_65951del, p.His21984fs (NM_003319.4); c.85441_85442del, p.His28481fs (NM_133378.4); c.66325_66326del, p.His22109fs (NM_133432.3); c.66526_66527del, p.His22176fs (NM_133437.4); short protein forms H21984fs, H29408fs, H22109fs, H22176fs, H28481fs, H31049fs.
Identifiers: ClinVar variation 2948058 (VCV002948058.3), dbSNP rs2469129498, ClinGen allele CA2740095981.
Genomic context (GRCh38, chr2:178,548,479, plus strand): 5'-TTTTTCACTGATAACCTGCCAACTACGGCGACTTGCCTCTCGTTTCTCTACCACATAATG[ATG>A]GATTCGGGCACCACCGTCAAGAAGAGGGGCATCCCACATCAATGTAGCAGATCCCCGGGT-3'

ClinVar aggregate classification (germline): Likely pathogenic (1 of 4 stars; one submission).

Conditions:
Dilated cardiomyopathy 1G (CMD1G). Identifiers: Orphanet 154, MedGen C1858763, MONDO:0011400, OMIM 604145.
Autosomal recessive limb-girdle muscular dystrophy type 2J (LGMDR10). Also called: Limb-girdle muscular dystrophy, type 2J; MUSCULAR DYSTROPHY, LIMB-GIRDLE, AUTOSOMAL RECESSIVE 10. Identifiers: Orphanet 140922, MedGen C1837342, MONDO:0012127, OMIM 608807.

Submission:

Labcorp Genetics (formerly Invitae), Labcorp
Classification: Likely pathogenic for Dilated cardiomyopathy 1G; Autosomal recessive limb-girdle muscular dystrophy type 2J. Last evaluated: 2023-05-22. Review status: criteria provided, single submitter. Criteria: Invitae Variant Classification Sherloc (09022015). Collection method: clinical testing. Allele origin: germline.
Comment: This variant is not present in population databases (gnomAD no frequency). This variant is located in the A band of TTN (PMID: 25589632). Truncating variants in this region are significantly overrepresented in patients affected with dilated cardiomyopathy (PMID: 25589632). Truncating variants in this region have also been reported in individuals affected with autosomal recessive centronuclear myopathy (PMID: 23975875). This variant has not been reported in the literature in individuals affected with TTN-related conditions. This sequence change creates a premature translational stop signal (p.His31049Serfs*13) in the TTN gene. While this is not anticipated to result in nonsense mediated decay, it is expected to create a truncated TTN protein. In summary, the currently available evidence indicates that the variant is pathogenic, but additional data are needed to prove that conclusively. Therefore, this variant has been classified as Likely Pathogenic.

Literature cited by the submitters: PubMed 25589632; PubMed 23975875.